The following is an entry in ClinVar:

NM_001292034.3(TAB2):c.1121dup (p.Asn375fs)

Genes: TAB2 (TGF-beta activated kinase 1 (MAP3K7) binding protein 2; plus strand), LOC126859827 (BRD4-independent group 4 enhancer GRCh37_chr6:149699707-149700906; plus strand). Cytogenetic location: 6q25.1.
Variant type: Duplication.
Coding change: c.1121dup on transcript NM_001292034.3 (MANE Select); coding-DNA position 1121, one base duplicated (C; older notation c.1121dupC).
Protein change: p.Asn375fs; shifts the reading frame from asparagine 375.
Molecular consequence: frameshift variant.
Genome position (GRCh38, 1-based): chr6:149,379,036, C duplicated; the last of 6 consecutive C bases (chr6:149,379,031-149,379,036); duplicating any one gives the same sequence. VCF-style (leftmost placement, unchanged base first): chr6-149379030-G-GC. GRCh37 (hg19) VCF-style: chr6-149700166-G-GC.
Other names: c.1025dup, p.Asn343fs (NM_001292035.3); c.1121dup, p.Asn375fs (NM_001369506.1, NM_015093.6); short protein forms N343fs, N375fs.
Identifiers: ClinVar variation 3390788 (VCV003390788.2).

ClinVar aggregate classification (germline): Pathogenic/Likely pathogenic. Review status: criteria provided, multiple submitters, no conflicts (2 of 4 stars). 2 submissions from 2 submitters: Pathogenic (1); Likely pathogenic (1). Last evaluated 2024-08-13.

Conditions:
Congenital heart defects, multiple types, 2 (CHTD2). Also called: Congenital heart defects, nonsyndromic, 2. Identifiers: Orphanet 664401, MedGen C3554279, MONDO:0014000, OMIM 614980.

Submissions (2):

Human Genetics Bochum, Ruhr University Bochum
Classification: Likely pathogenic for Congenital heart defects, multiple types, 2. Last evaluated: 2024-08-13. Review status: criteria provided, single submitter. Criteria: ACMG Guidelines, 2015. Collection method: clinical testing. Allele origin: germline. Affected: yes.
Comment: ACMG criteria used to clasify this variant: PVS1, PM2_SUP

GeneDx
Classification: Pathogenic. Last evaluated: 2024-06-11. Review status: criteria provided, single submitter. Criteria: GeneDx Variant Classification Process June 2021. Collection method: clinical testing. Allele origin: germline. Affected: yes.
Comment: Frameshift variant predicted to result in protein truncation or nonsense mediated decay in a gene for which loss of function is a known mechanism of disease; Not observed at significant frequency in large population cohorts (gnomAD); This variant is associated with the following publications: (PMID: 36000780)